The following is an entry in ClinVar:

ClinVar aggregate classification (germline): Likely pathogenic. Review status: criteria provided, multiple submitters, no conflicts (2 of 4 stars). 3 submissions from 3 submitters: Likely pathogenic (2). 1 of the submissions does not count toward it. Last evaluated 2022-05-12.

Conditions:
Metachromatic leukodystrophy (MLD). Also called: Cerebral sclerosis diffuse metachromatic form; Arylsulfatase A Deficiency; ARSA DEFICIENCY; CEREBROSIDE SULFATASE DEFICIENCY; METACHROMATIC LEUKOENCEPHALOPATHY; SULFATIDE LIPIDOSIS. Identifiers: Orphanet 512, MedGen C0023522, MONDO:0018868, OMIM 250100.

Submissions (3):

Fulgent Genetics
Classification: Likely pathogenic for Metachromatic leukodystrophy. Last evaluated: 2022-05-12. Review status: criteria provided, single submitter. Criteria: ACMG Guidelines, 2015. Collection method: clinical testing. Allele origin: unknown.

Labcorp Genetics (formerly Invitae), Labcorp
Classification: Likely pathogenic for Metachromatic leukodystrophy. Last evaluated: 2019-09-25. Review status: criteria provided, single submitter. Criteria: Invitae Variant Classification Sherloc (09022015). Collection method: clinical testing. Allele origin: germline.
Comment: In summary, the currently available evidence indicates that the variant is pathogenic, but additional data are needed to prove that conclusively. Therefore, this variant has been classified as Likely Pathogenic. Donor and acceptor splice site variants typically lead to a loss of protein function (PMID: 16199547), and loss-of-function variants in ARSA are known to be pathogenic (PMID: 8962139, 10477432). Algorithms developed to predict the effect of sequence changes on RNA splicing suggest that this variant may disrupt the consensus splice site, but this prediction has not been confirmed by published transcriptional studies. This variant has been observed in an individual affected with netachromatic leukodystrophy (PMID: 9819708). This variant is also known as 219-2A>G in the literature. ClinVar contains an entry for this variant (Variation ID: 558028). This variant is not present in population databases (ExAC no frequency). This sequence change affects an acceptor splice site in intron 1 of the ARSA gene. It is expected to disrupt RNA splicing and likely results in an absent or disrupted protein product.

Counsyl
Classification: Likely pathogenic for Metachromatic leukodystrophy. Last evaluated: 2018-04-24. Review status: no assertion criteria provided. Collection method: clinical testing. Allele origin: unknown. Not counted in ClinVar's aggregate classification.

Literature cited by the submitters: PubMed 16199547 (cited by Labcorp Genetics (formerly Invitae), Labcorp); PubMed 8962139 (cited by Labcorp Genetics (formerly Invitae), Labcorp); PubMed 10477432 (cited by Labcorp Genetics (formerly Invitae), Labcorp); PubMed 9819708 (cited by Labcorp Genetics (formerly Invitae), Labcorp and Counsyl).

NM_000487.6(ARSA):c.225-2A>G

Gene: ARSA (arylsulfatase A; minus strand). Cytogenetic location: 22q13.33.
Variant type: single nucleotide variant.
Coding change: c.225-2A>G on transcript NM_000487.6 (MANE Select); the canonical splice acceptor site of the intron before coding-DNA position 225, A replaced by G.
Molecular consequence: splice acceptor variant.
Genome position (GRCh38, 1-based): chr22:50,627,408, T>C on the plus strand (A>G on the coding strand, the complement: ARSA is on the minus strand). VCF-style: chr22-50627408-T-C. GRCh37 (hg19) VCF-style: chr22-51065836-T-C.
Other names: c.-34-2A>G (NM_001362782.2, NM_001085428.3); c.225-2A>G (NM_001085427.3, NM_001085426.3, NM_001085425.3).
Identifiers: ClinVar variation 558028 (VCV000558028.13), dbSNP rs1555901083, ClinGen allele CA412182008.